The following is an entry in ClinVar:

ClinVar aggregate classification (germline): Uncertain significance (1 of 4 stars; one submission).

Conditions:
Dilated cardiomyopathy 1D. Identifiers: Orphanet 154, Orphanet 54260, MedGen C1832243, MONDO:0011095, OMIM 601494.
Hypertrophic cardiomyopathy 2. Also called: TNNT2-Related Familial Hypertrophic Cardiomyopathy. Identifiers: MedGen C1861864, MONDO:0007266, OMIM 115195.
Cardiomyopathy, familial restrictive, 3. Identifiers: Orphanet 75249, MedGen C2676271, MONDO:0012900, OMIM 612422.

Submission:

Labcorp Genetics (formerly Invitae), Labcorp
Classification: Uncertain significance for Cardiomyopathy, familial restrictive, 3; Hypertrophic cardiomyopathy 2; Dilated cardiomyopathy 1D. Last evaluated: 2024-04-03. Review status: criteria provided, single submitter. Criteria: Invitae Variant Classification Sherloc (09022015). Collection method: clinical testing. Allele origin: germline.
Comment: This sequence change replaces glutamine, which is neutral and polar, with proline, which is neutral and non-polar, at codon 138 of the TNNT2 protein (p.Gln138Pro). This variant is not present in population databases (gnomAD no frequency). This variant has not been reported in the literature in individuals affected with TNNT2-related conditions. Advanced modeling of protein sequence and biophysical properties (such as structural, functional, and spatial information, amino acid conservation, physicochemical variation, residue mobility, and thermodynamic stability) performed at Invitae indicates that this missense variant is expected to disrupt TNNT2 protein function with a positive predictive value of 95%. In summary, the available evidence is currently insufficient to determine the role of this variant in disease. Therefore, it has been classified as a Variant of Uncertain Significance.

NM_001276345.2(TNNT2):c.443A>C (p.Gln148Pro)

Gene: TNNT2 (troponin T2, cardiac type; minus strand). Cytogenetic location: 1q32.1.
Variant type: single nucleotide variant.
Coding change: c.443A>C on transcript NM_001276345.2 (MANE Select); coding-DNA position 443, A replaced by C.
Protein change: p.Gln148Pro; replaces glutamine 148 with proline.
Molecular consequence: missense variant.
Genome position (GRCh38, 1-based): chr1:201,364,344, T>G on the plus strand (A>C on the coding strand, the complement: TNNT2 is on the minus strand). VCF-style: chr1-201364344-T-G. GRCh37 (hg19) VCF-style: chr1-201333472-T-G.
Other names: c.413A>C, p.Gln138Pro (NM_001001431.3, NM_001001430.3, NM_001276347.2 and 3 more transcripts); c.398A>C, p.Gln133Pro (NM_001001432.3, NM_001406728.1); c.443A>C, p.Gln148Pro (NM_000364.4, NM_001406723.1); c.323A>C, p.Gln108Pro (NM_001276346.2); c.410A>C, p.Gln137Pro (NM_001406725.1); short protein forms Q108P, Q133P, Q137P, Q138P, Q148P.
Identifiers: ClinVar variation 3753136 (VCV003753136.2).